The following is an entry in ClinVar:

NM_000023.4(SGCA):c.676C>T (p.Gln226Ter)

Gene: SGCA (sarcoglycan alpha; plus strand). Cytogenetic location: 17q21.33.
Variant type: single nucleotide variant.
Coding change: c.676C>T on transcript NM_000023.4 (MANE Select); coding-DNA position 676, C replaced by T.
Protein change: p.Gln226Ter; replaces glutamine 226 with a stop codon.
Molecular consequence: nonsense. On other transcripts: non-coding transcript variant (1), intron variant (1).
Genome position (GRCh38, 1-based): chr17:50,169,183, C>T. VCF-style: chr17-50169183-C-T. GRCh37 (hg19) VCF-style: chr17-48246544-C-T.
Other names: c.584+611C>T (NM_001135697.3); short protein forms Q226*.
Identifiers: ClinVar variation 597232 (VCV000597232.12), dbSNP rs1567741398, ClinGen allele CA400180725.
Genomic context (GRCh38, chr17:50,169,183, plus strand): 5'-TTTTCTACTTGCCTGAAGATGGTGGCATCCCCCGATAGCCACGCCCGCTGTGCCCAGGGC[C>T]AGCCTCCACTTCTGTCTTGCTACGACACCTTGGCACCCCACTTCCGCGTTGACTGGTGCA-3'

ClinVar aggregate classification (germline): Pathogenic. Review status: criteria provided, multiple submitters, no conflicts (2 of 4 stars). 3 submissions from 3 submitters: Pathogenic (3). Last evaluated 2023-02-08.

Conditions:
Autosomal recessive limb-girdle muscular dystrophy type 2D (LGMDR3). Also called: ADHALINOPATHY, PRIMARY; DUCHENNE-LIKE AUTOSOMAL RECESSIVE MUSCULAR DYSTROPHY, TYPE 2; MUSCULAR DYSTROPHY, LIMB-GIRDLE, AUTOSOMAL RECESSIVE 3. Identifiers: Orphanet 62, MedGen C2936332, MONDO:0011968, OMIM 608099. Disease mechanism: Affects gamma-sarcoglycan and also disrupts the integrity of the entire sarcoglycan complex..

Submissions (3):

Genome-Nilou Lab
Classification: Pathogenic for Autosomal recessive limb-girdle muscular dystrophy type 2D. Last evaluated: 2023-02-08. Review status: criteria provided, single submitter. Criteria: ACMG Guidelines, 2015. Collection method: clinical testing. Allele origin: germline.

Labcorp Genetics (formerly Invitae), Labcorp
Classification: Pathogenic for Autosomal recessive limb-girdle muscular dystrophy type 2D. Last evaluated: 2020-07-21. Review status: criteria provided, single submitter. Criteria: Invitae Variant Classification Sherloc (09022015). Collection method: clinical testing. Allele origin: germline.
Comment: This sequence change creates a premature translational stop signal (p.Gln226*) in the SGCA gene. It is expected to result in an absent or disrupted protein product. This variant is not present in population databases (ExAC no frequency). This variant has not been reported in the literature in individuals with SGCA-related conditions. ClinVar contains an entry for this variant (Variation ID: 597232). Loss-of-function variants in SGCA are known to be pathogenic (PMID: 9192266). For these reasons, this variant has been classified as Pathogenic.

Eurofins Ntd Llc (ga)
Classification: Pathogenic. Last evaluated: 2018-05-31. Review status: criteria provided, single submitter. Criteria: EGL ClinVar v180209 classification definitions. Collection method: clinical testing. Allele origin: germline. Observed: 2 variant alleles, 2 heterozygotes.

Literature cited by the submitters: PubMed 9192266 (cited by Labcorp Genetics (formerly Invitae), Labcorp).